The following is an entry in ClinVar:

NM_000274.4(OAT):c.97del (p.Thr33fs)

Gene: OAT (ornithine aminotransferase; minus strand). Cytogenetic location: 10q26.13.
Variant type: Deletion.
Coding change: c.97del on transcript NM_000274.4 (MANE Select); coding-DNA position 97, one base deleted (A; older notation c.97delA).
Protein change: p.Thr33fs; shifts the reading frame from threonine 33.
Molecular consequence: frameshift variant. On other transcripts: intron variant (2).
Genome position (GRCh38, 1-based): chr10:124,412,075, T deleted on the plus strand (A on the coding strand, the reverse complement: OAT is on the minus strand); the first of 7 consecutive T bases (chr10:124,412,075-124,412,081); deleting any one gives the same sequence. VCF-style (leftmost placement, unchanged base first): chr10-124412074-GT-G. GRCh37 (hg19) VCF-style: chr10-126100643-GT-G.
Other names: c.97del, p.Thr33fs (NM_001322965.2, NM_001322966.2, NM_001322967.2 and 4 more transcripts); c.-215-3110del (NM_001171814.2); c.-515-3110del (NM_001322974.2); c.97delA (NM_000274.3); short protein forms T33fs.
Identifiers: ClinVar variation 3239990 (VCV003239990.2), dbSNP rs1375779674.

ClinVar aggregate classification (germline): Likely pathogenic. Review status: criteria provided, multiple submitters, no conflicts (2 of 4 stars). 2 submissions from 2 submitters: Likely pathogenic (2). Last evaluated 2025-09-19.

Conditions:
Ornithine aminotransferase deficiency (GACR). Also called: OAT DEFICIENCY; Ornithine ketoacid aminotransferase deficiency; Gyrate atrophy; Gyrate atrophy of choroid and retina; Girate atrophy of the retina; OKT DEFICIENCY. Identifiers: Orphanet 414, MedGen C0018425, MONDO:0009796, OMIM 258870.

Submissions (2):

Natera, Inc.
Classification: Likely pathogenic for Gyrate atrophy. Last evaluated: 2025-09-19. Review status: criteria provided, single submitter. Criteria: Natera Variant Classification Schema (03/2026). Collection method: clinical testing. Allele origin: germline.
Comment: The c.97delA variant in OAT is a frameshift variant predicted to shift the reading frame beginning at codon 33 and leads to a stop codon 28 codons downstream. This variant is expected to result in nonsense mediated decay, truncation, or a dysfunctional protein product. This variant is rare in the general population with a frequency below the threshold expected for the associated phenotype(s). Given the available evidence, this variant is classified as Likely Pathogenic.

Baylor Genetics
Classification: Likely pathogenic for Ornithine aminotransferase deficiency. Last evaluated: 2023-11-22. Review status: criteria provided, single submitter. Criteria: ACMG Guidelines, 2015. Collection method: clinical testing. Allele origin: unknown.